The following is an entry in ClinVar:

NM_181712.5(KANK4):c.2732T>C (p.Met911Thr)

Gene: KANK4 (KN motif and ankyrin repeat domains 4; minus strand). Cytogenetic location: 1p31.3.
Variant type: single nucleotide variant.
Coding change: c.2732T>C on transcript NM_181712.5 (MANE Select); coding-DNA position 2732, T replaced by C.
Protein change: p.Met911Thr; replaces methionine 911 with threonine.
Molecular consequence: missense variant.
Genome position (GRCh38, 1-based): chr1:62,247,623, A>G on the plus strand (T>C on the coding strand, the complement: KANK4 is on the minus strand). VCF-style: chr1-62247623-A-G. GRCh37 (hg19) VCF-style: chr1-62713295-A-G.
Other names: c.848T>C, p.Met283Thr (NM_001320269.2); c.2732T>C (NM_181712.4); short protein forms M283T, M911T.
Identifiers: ClinVar variation 2957990 (VCV002957990.4), dbSNP rs750631136, ClinGen allele CA883990.

ClinVar aggregate classification (germline): Uncertain significance. Review status: criteria provided, multiple submitters, no conflicts (2 of 4 stars). 2 submissions from 2 submitters: Uncertain significance (2). Last evaluated 2025-07-28.

Allele frequency attached by ClinVar (database versions not stated): gnomAD exomes 0.00002; gnomAD 0.00004; ExAC 0.00007; TOPMed 0.00003.
gnomAD v4.1: 57 of 1,613,826 alleles (0.0035%); highest among the groups gnomAD compares: East Asian, 0.065%; no homozygotes.

Submissions (2):

Labcorp Genetics (formerly Invitae), Labcorp
Classification: Uncertain significance. Last evaluated: 2025-07-28. Review status: criteria provided, single submitter. Criteria: Invitae Variant Classification Sherloc (09022015). Collection method: clinical testing. Allele origin: germline.
Comment: This sequence change replaces methionine, which is neutral and non-polar, with threonine, which is neutral and polar, at codon 911 of the KANK4 protein (p.Met911Thr). This variant is present in population databases (rs750631136, gnomAD 0.1%), and has an allele count higher than expected for a pathogenic variant. This variant has not been reported in the literature in individuals affected with KANK4-related conditions. ClinVar contains an entry for this variant (Variation ID: 2957990). An algorithm developed to predict the effect of missense changes on protein structure and function (PolyPhen-2) suggests that this variant is likely to be disruptive. In summary, the available evidence is currently insufficient to determine the role of this variant in disease. Therefore, it has been classified as a Variant of Uncertain Significance.

Ambry Genetics
Classification: Uncertain significance. Last evaluated: 2023-10-25. Review status: criteria provided, single submitter. Criteria: Ambry Variant Classification Scheme 2023. Collection method: clinical testing. Allele origin: germline.